The following is an entry in ClinVar:

NM_003128.3(SPTBN1):c.4425C>G (p.Asn1475Lys)

Gene: SPTBN1 (spectrin beta, non-erythrocytic 1; plus strand). Cytogenetic location: 2p16.2.
Variant type: single nucleotide variant.
Coding change: c.4425C>G on transcript NM_003128.3 (MANE Select); coding-DNA position 4425, C replaced by G.
Protein change: p.Asn1475Lys; replaces asparagine 1475 with lysine.
Molecular consequence: missense variant.
Genome position (GRCh38, 1-based): chr2:54,645,384, C>G. VCF-style: chr2-54645384-C-G. GRCh37 (hg19) VCF-style: chr2-54872521-C-G.
Other names: c.4386C>G, p.Asn1462Lys (NM_178313.3); short protein forms N1462K, N1475K.
Identifiers: ClinVar variation 5000576 (VCV005000576.1).

ClinVar aggregate classification (germline): Uncertain significance (1 of 4 stars; one submission).

Conditions:
SPTBN1-related disorder. Also called: SPTBN1-related condition.

gnomAD v4.1: 4 of 1,614,160 alleles (0.00025%); highest among the groups gnomAD compares: African/African-American, 0.0027%; no homozygotes.

Submission:

PreventionGenetics, part of Exact Sciences
Classification: Uncertain significance for SPTBN1-related condition. Last evaluated: 2026-09-15. Review status: criteria provided, single submitter. Criteria: ACMG Guidelines, 2015. Collection method: clinical testing. Allele origin: germline.
Comment: The SPTBN1 c.4425C>G variant is predicted to result in the amino acid substitution p.Asn1475Lys. To our knowledge, this variant has not been reported in the literature or in a large population database (gnomAD), indicating this variant is rare. At this time, the clinical significance of this variant is uncertain due to the absence of conclusive functional and genetic evidence.